The following is an entry in ClinVar:

ClinVar aggregate classification (germline): Likely pathogenic (1 of 4 stars; one submission).

Conditions:
Usher syndrome type 2A. Also called: RETINAL DISEASE IN USHER SYNDROME TYPE IIA, MODIFIER OF; USHER SYNDROME, TYPE IIA. Identifiers: Orphanet 231178, Orphanet 886, MedGen C1848634, MONDO:0010169, OMIM 276901.

gnomAD v4.1: 1 of 1,612,816 alleles (0.000062%); highest among the groups gnomAD compares: South Asian, 0.0011%; no homozygotes.

Submission:

Natera, Inc.
Classification: Likely pathogenic for Usher syndrome type 2A. Last evaluated: 2025-10-03. Review status: criteria provided, single submitter. Criteria: Natera Variant Classification Schema (03/2026). Collection method: clinical testing. Allele origin: germline.
Comment: The c.5167+2T>C variant in USH2A is a canonical splice donor site variant predicted to affect pre-mRNA splicing, which may result in an abnormal transcript and altered protein product. This variant is expected to result in nonsense mediated decay, truncation, or a dysfunctional protein product. This variant is rare in the general population with a frequency below the threshold expected for the associated phenotype(s). Given the available evidence, this variant is classified as Likely Pathogenic.

NM_206933.4(USH2A):c.5167+2T>C

Genes: USH2A (usherin; minus strand), USH2A-AS2 (USH2A antisense RNA 2; plus strand). Cytogenetic location: 1q41.
Variant type: single nucleotide variant.
Coding change: c.5167+2T>C on transcript NM_206933.4 (MANE Select); the canonical splice donor site of the intron after coding-DNA position 5167, T replaced by C.
Molecular consequence: splice donor variant.
Genome position (GRCh38, 1-based): chr1:216,084,696, A>G on the plus strand (T>C on the coding strand, the complement: USH2A is on the minus strand). VCF-style: chr1-216084696-A-G. GRCh37 (hg19) VCF-style: chr1-216258038-A-G.
Identifiers: ClinVar variation 4817128 (VCV004817128.1).